The following is an entry in ClinVar:

ClinVar aggregate classification (germline): Likely benign (1 of 4 stars; one submission).

Allele frequency attached by ClinVar (database versions not stated): ExAC 0.00015; TOPMed 0.00025; gnomAD exomes 0.00026; gnomAD 0.00028; ESP Exome Variant Server 0.00038; 1000 Genomes Project 0.00053; 1000 Genomes Project 30x 0.00104.
gnomAD v4.1: 333 of 1,208,148 alleles (0.028%); highest among the groups gnomAD compares: Admixed American, 0.042%; no homozygotes.

Submission:

CeGaT Center for Human Genetics Tuebingen
Classification: Likely benign. Last evaluated: 2022-09-01. Review status: criteria provided, single submitter. Criteria: CeGaT Center For Human Genetics Tuebingen Variant Classification Criteria Version 2. Collection method: clinical testing. Allele origin: germline. Affected: yes. Observed: 1 variant allele.
Comment: CCNB3: BP4, BP7

NM_033031.3(CCNB3):c.255T>C (p.Phe85=)

Gene: CCNB3 (cyclin B3; plus strand). Cytogenetic location: Xp11.22.
Variant type: single nucleotide variant.
Coding change: c.255T>C on transcript NM_033031.3 (MANE Select); coding-DNA position 255, T replaced by C.
Protein change: p.Phe85=; no amino-acid change (phenylalanine 85 retained).
Molecular consequence: synonymous variant. On other transcripts: intron variant (1).
Genome position (GRCh38, 1-based): chrX:50,294,913, T>C. VCF-style: chrX-50294913-T-C. GRCh37 (hg19) VCF-style: chrX-50037913-T-C.
Other names: c.204+6026T>C (NM_033670.4).
Identifiers: ClinVar variation 2660542 (VCV002660542.24), dbSNP rs185845142, ClinGen allele CA10414470.